The following is an entry in ClinVar:

NM_001111.5(ADAR):c.3316-1G>T

Gene: ADAR (adenosine deaminase RNA specific; minus strand). Cytogenetic location: 1q21.3.
Variant type: single nucleotide variant.
Coding change: c.3316-1G>T on transcript NM_001111.5 (MANE Select); the canonical splice acceptor site of the intron before coding-DNA position 3316, G replaced by T.
Molecular consequence: splice acceptor variant.
Genome position (GRCh38, 1-based): chr1:154,585,345, C>A on the plus strand (G>T on the coding strand, the complement: ADAR is on the minus strand). VCF-style: chr1-154585345-C-A. GRCh37 (hg19) VCF-style: chr1-154557821-C-A.
Other names: c.2431-1G>T (NM_001365046.1, NM_001025107.3, NM_001365048.1 and 2 more transcripts); c.3343-1G>T (NM_001365045.1); c.2353-1G>T (NM_001365049.1); c.3181-1G>T (NM_015841.4); c.3238-1G>T (NM_015840.4).
Identifiers: ClinVar variation 4075404 (VCV004075404.1).

ClinVar aggregate classification (germline): Pathogenic (1 of 4 stars; one submission).

Conditions:
Symmetrical dyschromatosis of extremities (DSH). Also called: DYSCHROMATOSIS SYMMETRICA HEREDITARIA 1; RETICULATE ACROPIGMENTATION OF DOHI; SYMMETRIC DYSCHROMATOSIS OF THE EXTREMITIES; Dyschromatosis symmetrica hereditaria. Identifiers: Orphanet 41, MedGen C0406775, MONDO:0007483, OMIM 127400.

Submission:

Dermatology, The Second Affiliated Hospital of Xi'an Jiaotong University
Classification: Pathogenic for Symmetrical dyschromatosis of extremities. Last evaluated: 2020-10-23. Review status: criteria provided, single submitter. Criteria: ACMG Guidelines, 2015. Collection method: clinical testing. Allele origin: germline. Affected: yes. Observed: 3 variant alleles.
Comment: Frameshift deletion c.3316-1G>T is classified as Pathogenic for autosomal dominant Dyschromatosis symmetrica hereditaria (OMIM 127400). This splice site variant is predicted to cause loss of function through aberrant splicing and nonsense-mediated decay (PVS1; Very Strong), a known mechanism for this disorder. It is absent or extremely rare in population databases (PM2). The transmission from an affected parent to affected offspring supports co-segregation with disease under the autosomal dominant model (PP1_Supporting). Patient phenotypes were consistent with the disorder (PP4). The combined evidence unequivocally exceeds the threshold for Pathogenic classification.